The following is an entry in ClinVar:

ClinVar aggregate classification (germline): Uncertain significance (1 of 4 stars; one submission).

Submission:

Labcorp Genetics (formerly Invitae), Labcorp
Classification: Uncertain significance. Last evaluated: 2024-10-26. Review status: criteria provided, single submitter. Criteria: Invitae Variant Classification Sherloc (09022015). Collection method: clinical testing. Allele origin: germline.
Comment: This sequence change replaces histidine, which is basic and polar, with glutamine, which is neutral and polar, at codon 2706 of the USH2A protein (p.His2706Gln). This variant is not present in population databases (gnomAD no frequency). This variant has not been reported in the literature in individuals affected with USH2A-related conditions. ClinVar contains an entry for this variant (Variation ID: 2130867). Invitae Evidence Modeling of protein sequence and biophysical properties (such as structural, functional, and spatial information, amino acid conservation, physicochemical variation, residue mobility, and thermodynamic stability) indicates that this missense variant is not expected to disrupt USH2A protein function with a negative predictive value of 95%. In summary, the available evidence is currently insufficient to determine the role of this variant in disease. Therefore, it has been classified as a Variant of Uncertain Significance.

NM_206933.4(USH2A):c.8118T>G (p.His2706Gln)

Gene: USH2A (usherin; minus strand). Cytogenetic location: 1q41.
Variant type: single nucleotide variant.
Coding change: c.8118T>G on transcript NM_206933.4 (MANE Select); coding-DNA position 8118, T replaced by G.
Protein change: p.His2706Gln; replaces histidine 2706 with glutamine.
Molecular consequence: missense variant.
Genome position (GRCh38, 1-based): chr1:215,888,531, A>C on the plus strand (T>G on the coding strand, the complement: USH2A is on the minus strand). VCF-style: chr1-215888531-A-C. GRCh37 (hg19) VCF-style: chr1-216061873-A-C.
Other names: short protein forms H2706Q.
Identifiers: ClinVar variation 2130867 (VCV002130867.4), dbSNP rs1350336660, ClinGen allele CA344838772.